The following is an entry in ClinVar:

ClinVar aggregate classification (germline): Uncertain significance. Review status: criteria provided, multiple submitters, no conflicts (2 of 4 stars). 2 submissions from 2 submitters: Uncertain significance (2). Last evaluated 2025-03-24.

Conditions:
Inborn genetic diseases. Identifiers: MedGen C0950123, MeSH D030342.
Baller-Gerold syndrome (BGS). Also called: CRANIOSYNOSTOSIS WITH RADIAL DEFECTS. Identifiers: Orphanet 1225, MedGen C0265308, MONDO:0009039, OMIM 218600.

Submissions (2):

Ambry Genetics
Classification: Uncertain significance for Inborn genetic diseases. Last evaluated: 2025-03-24. Review status: criteria provided, single submitter. Criteria: Ambry Variant Classification Scheme 2023. Collection method: clinical testing. Allele origin: germline.
Comment: The p.Y45C variant (also known as c.134A>G), located in coding exon 3 of the RECQL4 gene, results from an A to G substitution at nucleotide position 134. The tyrosine at codon 45 is replaced by cysteine, an amino acid with highly dissimilar properties. This amino acid position is conserved. In addition, the in silico prediction for this alteration is inconclusive. Based on the available evidence, the clinical significance of this variant remains unclear.

Labcorp Genetics (formerly Invitae), Labcorp
Classification: Uncertain significance for Baller-Gerold syndrome. Last evaluated: 2022-12-12. Review status: criteria provided, single submitter. Criteria: Invitae Variant Classification Sherloc (09022015). Collection method: clinical testing. Allele origin: germline.
Comment: This sequence change replaces tyrosine, which is neutral and polar, with cysteine, which is neutral and slightly polar, at codon 45 of the RECQL4 protein (p.Tyr45Cys). The frequency data for this variant in the population databases is considered unreliable, as metrics indicate poor data quality at this position in the gnomAD database. This variant has not been reported in the literature in individuals affected with RECQL4-related conditions. Experimental studies and prediction algorithms are not available or were not evaluated, and the functional significance of this variant is currently unknown. In summary, the available evidence is currently insufficient to determine the role of this variant in disease. Therefore, it has been classified as a Variant of Uncertain Significance.

NM_004260.4(RECQL4):c.134A>G (p.Tyr45Cys)

Genes: RECQL4 (RecQ like helicase 4; minus strand), LOC130001411 (ATAC-STARR-seq lymphoblastoid silent region 19699; plus strand). Cytogenetic location: 8q24.3.
Variant type: single nucleotide variant.
Coding change: c.134A>G on transcript NM_004260.4 (MANE Select); coding-DNA position 134, A replaced by G.
Protein change: p.Tyr45Cys; replaces tyrosine 45 with cysteine.
Molecular consequence: missense variant. On other transcripts: 5 prime UTR variant (16), non-coding transcript variant (3), intron variant (2).
Genome position (GRCh38, 1-based): chr8:144,517,493, T>C on the plus strand (A>G on the coding strand, the complement: RECQL4 is on the minus strand). VCF-style: chr8-144517493-T-C. GRCh37 (hg19) VCF-style: chr8-145742877-T-C.
Other names: c.134A>G, p.Tyr45Cys (NM_001413020.1, NM_001413029.1, NM_001413033.1 and 5 more transcripts); c.-587A>G (NM_001413021.1); c.-938A>G (NM_001413022.1, NM_001413023.1, NM_001413037.1 and 2 more transcripts); c.-835A>G (NM_001413024.1, NM_001413035.1); c.-1000A>G (NM_001413027.1, NM_001413030.1, NM_001413031.1 and 1 more transcripts); c.-663A>G (NM_001413028.1); c.-897A>G (NM_001413032.1); c.134A>G (NM_004260.3); and 4 more; short protein forms Y45C.
Identifiers: ClinVar variation 2897927 (VCV002897927.4), dbSNP rs748521485, ClinGen allele CA4949475.
Genomic context (GRCh38, chr8:144,517,493, plus strand): 5'-AGCGACTCGGAGCTGCGGAGCCCGCCGCCGGCCTGGCCCGTGGTACGCTTCAGAGTGCGG[T>C]ATTCCCGGTAGAGCGCTGCGTGGGCGAGCGGGAGGCGGGGTCAGGGTGGGGCCTGGGCCC-3'
Protein context (NP_004251.4, residues 35-55): PEETRALYRE[Tyr45Cys]RTLKRTTGQA